The following is an entry in ClinVar:

NM_032608.7(MYO18B):c.5698C>A (p.Gln1900Lys)

Gene: MYO18B (myosin XVIIIB; plus strand). Cytogenetic location: 22q12.1.
Variant type: single nucleotide variant.
Coding change: c.5698C>A on transcript NM_032608.7 (MANE Select); coding-DNA position 5698, C replaced by A.
Protein change: p.Gln1900Lys; replaces glutamine 1900 with lysine.
Molecular consequence: missense variant.
Genome position (GRCh38, 1-based): chr22:25,947,778, C>A. VCF-style: chr22-25947778-C-A. GRCh37 (hg19) VCF-style: chr22-26343744-C-A.
Other names: c.5701C>A, p.Gln1901Lys (NM_001318245.2); short protein forms Q1900K, Q1901K.
Identifiers: ClinVar variation 1464818 (VCV001464818.5), dbSNP rs972256306, ClinGen allele CA322794388.

ClinVar aggregate classification (germline): Uncertain significance (1 of 4 stars; one submission).

Allele frequency attached by ClinVar (database versions not stated): gnomAD exomes below 0.00001.
gnomAD v4.1: 5 of 1,613,840 alleles (0.00031%); highest among the groups gnomAD compares: African/African-American, 0.0013%; no homozygotes.

Submission:

Labcorp Genetics (formerly Invitae), Labcorp
Classification: Uncertain significance. Last evaluated: 2023-05-23. Review status: criteria provided, single submitter. Criteria: Invitae Variant Classification Sherloc (09022015). Collection method: clinical testing. Allele origin: germline.
Comment: In summary, the available evidence is currently insufficient to determine the role of this variant in disease. Therefore, it has been classified as a Variant of Uncertain Significance. An algorithm developed to predict the effect of missense changes on protein structure and function (PolyPhen-2) suggests that this variant¬† is likely to be tolerated. ClinVar contains an entry for this variant (Variation ID: 1464818). This variant has not been reported in the literature in individuals affected with MYO18B-related conditions. This variant is present in population databases (no rsID available, gnomAD 0.003%). This sequence change replaces glutamine, which is neutral and polar, with lysine, which is basic and polar, at codon 1900 of the MYO18B protein (p.Gln1900Lys).